The following is an entry in ClinVar:

NM_000553.6(WRN):c.935G>A (p.Ser312Asn)

Gene: WRN (WRN RecQ like helicase; plus strand). Cytogenetic location: 8p12.
Variant type: single nucleotide variant.
Coding change: c.935G>A on transcript NM_000553.6 (MANE Select); coding-DNA position 935, G replaced by A.
Protein change: p.Ser312Asn; replaces serine 312 with asparagine.
Molecular consequence: missense variant.
Genome position (GRCh38, 1-based): chr8:31,080,962, G>A. VCF-style: chr8-31080962-G-A. GRCh37 (hg19) VCF-style: chr8-30938478-G-A.
Other names: short protein forms S312N.
Identifiers: ClinVar variation 2076539 (VCV002076539.4), dbSNP rs1585427630, ClinGen allele CA370919949.

ClinVar aggregate classification (germline): Uncertain significance (1 of 4 stars; one submission).

Conditions:
Werner syndrome (WRN). Identifiers: Orphanet 902, MedGen C0043119, MONDO:0010196, OMIM 277700.

Submission:

Labcorp Genetics (formerly Invitae), Labcorp
Classification: Uncertain significance for Werner syndrome. Last evaluated: 2022-01-06. Review status: criteria provided, single submitter. Criteria: Invitae Variant Classification Sherloc (09022015). Collection method: clinical testing. Allele origin: germline.
Comment: In summary, the available evidence is currently insufficient to determine the role of this variant in disease. Therefore, it has been classified as a Variant of Uncertain Significance. Algorithms developed to predict the effect of missense changes on protein structure and function output the following: SIFT: "Not Available"; PolyPhen-2: "Benign"; Align-GVGD: "Not Available". The asparagine amino acid residue is found in multiple mammalian species, which suggests that this missense change does not adversely affect protein function. This variant has not been reported in the literature in individuals affected with WRN-related conditions. This variant is not present in population databases (gnomAD no frequency). This sequence change replaces serine, which is neutral and polar, with asparagine, which is neutral and polar, at codon 312 of the WRN protein (p.Ser312Asn).